The following is an entry in ClinVar:

NM_007294.4(BRCA1):c.237T>G (p.Phe79Leu)

Gene: BRCA1 (BRCA1 DNA repair associated; minus strand). Cytogenetic location: 17q21.31.
Variant type: single nucleotide variant.
Coding change: c.237T>G on transcript NM_007294.4 (MANE Select); coding-DNA position 237, T replaced by G.
Protein change: p.Phe79Leu; replaces phenylalanine 79 with leucine.
Molecular consequence: missense variant. On other transcripts: non-coding transcript variant (1).
Genome position (GRCh38, 1-based): chr17:43,104,932, A>C on the plus strand (T>G on the coding strand, the complement: BRCA1 is on the minus strand). VCF-style: chr17-43104932-A-C. GRCh37 (hg19) VCF-style: chr17-41256949-A-C.
Other names: c.159T>G, p.Phe53Leu (NM_001408409.1, NM_001408411.1, NM_001408412.1 and 21 more transcripts); c.96T>G, p.Phe32Leu (NM_001408410.1, NM_001408452.1, NM_001408453.1 and 99 more transcripts); c.237T>G, p.Phe79Leu (NM_001408418.1, NM_001408419.1, NM_001408420.1 and 168 more transcripts); c.105T>G, p.Phe35Leu (NM_001408451.1); c.27T>G, p.Phe9Leu (NM_001408478.1, NM_001408479.1, NM_001408480.1 and 58 more transcripts); c.-145T>G (NM_001408510.1, NM_001408512.1, NM_001407959.1 and 4 more transcripts); short protein forms F79L, F32L, F53L, F9L, F35L.
Identifiers: ClinVar variation 865311 (VCV000865311.3), dbSNP rs2054691161, ClinGen allele CA10601684.
Genomic context (GRCh38, chr17:43,104,932, plus strand): 5'-CAAACCTGTGTCAAGCTGAAAAGCACAAATGATTTTCAATAGCTCTTCAACAAGTTGACT[A>C]AATCTCGTACTTTCTTGTAGGCTCCTGAAATTAAATTGTTTGAGAAACACACTCAGCAAG-3'
Protein context (NP_009225.1, residues 69-89): TKRSLQESTR[Phe79Leu]SQLVEELLKI

Conditions:
Breast-ovarian cancer, familial, susceptibility to, 1 (BROVCA1). Also called: BRCA1 Hereditary Breast and Ovarian Cancer; OVARIAN CANCER, SUSCEPTIBILITY TO. Identifiers: Orphanet 145, MedGen C2676676, MONDO:0011450, OMIM 604370. Disease mechanism: loss of function.

Submission:

Brotman Baty Institute, University of Washington
No classification provided (evidence only). Condition: Breast-ovarian cancer, familial 1. Review status: no classification provided. Collection method: in vitro. Allele origin: not applicable. Functional consequence: functionally_normal.
ClinVar note: "not provided" was previously submitted as the classification for the variant. However, the classification appeared to be based only on an observation of functional data so it was converted to no classification on 2025-07-30.